The following is an entry in ClinVar:

NM_002439.5(MSH3):c.237+117G>A

Gene: MSH3 (mutS homolog 3; plus strand). Cytogenetic location: 5q14.1.
Variant type: single nucleotide variant.
Coding change: c.237+117G>A on transcript NM_002439.5 (MANE Select); 117 bases into the intron after coding-DNA position 237, G replaced by A.
Molecular consequence: intron variant.
Genome position (GRCh38, 1-based): chr5:80,655,081, G>A. VCF-style: chr5-80655081-G-A. GRCh37 (hg19) VCF-style: chr5-79950900-G-A.
Identifiers: ClinVar variation 3764507 (VCV003764507.1).

ClinVar aggregate classification (germline): Likely benign (1 of 4 stars; one submission).

Conditions:
Hereditary cancer. Identifiers: MedGen C1333600.

Submission:

Mendelics
Classification: Likely benign for Hereditary cancer. Last evaluated: 2025-02-04. Review status: criteria provided, single submitter. Criteria: ACMG Guidelines, 2015. Collection method: clinical testing. Allele origin: unknown.
Comment: This variant is considered likely benign or benign based on one or more of the following: it is predicted to be benign by multiple in silico algorithms, and/or has population frequency not consistent with disease, and/or has normal protein function, and/or has lack of segregation with disease, and/or has been detected in co-occurrence with known pathogenic variant, and/or has lack of disease association in case-control studies, and/or is located in a region inconsistent with a known cause of pathogenicity. GnomAD Frequencey 0.00 /0 Homozygotes. In silico predcitors not pathogenic. Deep intronic.